The following is an entry in ClinVar:

NM_001034853.2(RPGR):c.1506+6G>C

Gene: RPGR (retinitis pigmentosa GTPase regulator; minus strand). Cytogenetic location: Xp11.4.
Variant type: single nucleotide variant.
Coding change: c.1506+6G>C on transcript NM_001034853.2 (MANE Select); 6 bases into the intron after coding-DNA position 1506, G replaced by C.
Molecular consequence: intron variant.
Genome position (GRCh38, 1-based): chrX:38,291,387, C>G on the plus strand (G>C on the coding strand, the complement: RPGR is on the minus strand). VCF-style: chrX-38291387-C-G. GRCh37 (hg19) VCF-style: chrX-38150640-C-G.
Other names: c.1503+6G>C (NM_001367249.1, NM_001367250.1, NM_001367245.1); c.1320+6G>C (NM_001367251.1, NM_001367246.1); c.1506+6G>C (NM_001367247.1, NM_000328.3); c.1536+6G>C (NM_001367248.1).
Identifiers: ClinVar variation 1000152 (VCV001000152.10), dbSNP rs1464455035, ClinGen allele CA640870769.
Genomic context (GRCh38, chrX:38,291,387, plus strand): 5'-ACATTCACATACACAATGAACTAAAATTCAAACTCATATTTAGATAAATAGATAGGAAAT[C>G]ATTACCATGTTTAAGATATCAGTAGTTTCTCCAAGGCTTTCTACAGTTGAAGAATTATCT-3'

ClinVar aggregate classification (germline): Uncertain significance. Review status: criteria provided, multiple submitters, no conflicts (2 of 4 stars). 2 submissions from 2 submitters: Uncertain significance (2). Last evaluated 2026-02-20.

Conditions:
Primary ciliary dyskinesia. Also called: Ciliary dyskinesia. Identifiers: Orphanet 244, MedGen C0008780, MONDO:0016575, HP:0012265.

Allele frequency attached by ClinVar (database versions not stated): gnomAD exomes below 0.00001 and 0.00001; TOPMed below 0.00001.
gnomAD v4.1: 2 of 1,058,740 alleles (0.00019%); highest among the groups gnomAD compares: Middle Eastern, 0.051%; no homozygotes.

Submissions (2):

Women's Health and Genetics/Laboratory Corporation of America, LabCorp
Classification: Uncertain significance. Last evaluated: 2026-02-20. Review status: criteria provided, single submitter. Criteria: LabCorp Variant Classification Summary - May 2015. Collection method: clinical testing. Allele origin: germline.

Labcorp Genetics (formerly Invitae), Labcorp
Classification: Uncertain significance for Primary ciliary dyskinesia. Last evaluated: 2025-08-10. Review status: criteria provided, single submitter. Criteria: Invitae Variant Classification Sherloc (09022015). Collection method: clinical testing. Allele origin: germline.
Comment: This sequence change falls in intron 12 of the RPGR gene. It does not directly change the encoded amino acid sequence of the RPGR protein. It affects a nucleotide within the consensus splice site. This variant is present in population databases (no rsID available, gnomAD 0.001%). This variant has not been reported in the literature in individuals affected with RPGR-related conditions. ClinVar contains an entry for this variant (Variation ID: 1000152). Variants that disrupt the consensus splice site are a relatively common cause of aberrant splicing (PMID: 17576681, 9536098). Algorithms developed to predict the effect of sequence changes on RNA splicing suggest that this variant is not likely to affect RNA splicing. In summary, the available evidence is currently insufficient to determine the role of this variant in disease. Therefore, it has been classified as a Variant of Uncertain Significance.

Literature cited by the submitters: PubMed 17576681 (cited by Labcorp Genetics (formerly Invitae), Labcorp); PubMed 9536098 (cited by Labcorp Genetics (formerly Invitae), Labcorp).